The following is an entry in ClinVar:

ClinVar aggregate classification (germline): Uncertain significance (1 of 4 stars; one submission).

Allele frequency attached by ClinVar (database versions not stated): gnomAD 0.00001; TOPMed 0.00001.
gnomAD v4.1: 13 of 1,613,946 alleles (0.00081%); highest among the groups gnomAD compares: Non-Finnish European, 0.0011%; no homozygotes.

Submission:

Labcorp Genetics (formerly Invitae), Labcorp
Classification: Uncertain significance. Last evaluated: 2022-01-15. Review status: criteria provided, single submitter. Criteria: Invitae Variant Classification Sherloc (09022015). Collection method: clinical testing. Allele origin: germline.
Comment: This sequence change replaces tyrosine, which is neutral and polar, with phenylalanine, which is neutral and non-polar, at codon 374 of the ERCC6 protein (p.Tyr374Phe). This variant is present in population databases (no rsID available, gnomAD 0.0009%). This variant has not been reported in the literature in individuals affected with ERCC6-related conditions. Algorithms developed to predict the effect of missense changes on protein structure and function (SIFT, PolyPhen-2, Align-GVGD) all suggest that this variant is likely to be tolerated. In summary, the available evidence is currently insufficient to determine the role of this variant in disease. Therefore, it has been classified as a Variant of Uncertain Significance.

NM_000124.4(ERCC6):c.1121A>T (p.Tyr374Phe)

Gene: ERCC6 (ERCC excision repair 6, chromatin remodeling factor; minus strand). Cytogenetic location: 10q11.23.
Variant type: single nucleotide variant.
Coding change: c.1121A>T on transcript NM_000124.4 (MANE Select); coding-DNA position 1121, A replaced by T.
Protein change: p.Tyr374Phe; replaces tyrosine 374 with phenylalanine.
Molecular consequence: missense variant.
Genome position (GRCh38, 1-based): chr10:49,524,309, T>A on the plus strand (A>T on the coding strand, the complement: ERCC6 is on the minus strand). VCF-style: chr10-49524309-T-A. GRCh37 (hg19) VCF-style: chr10-50732355-T-A.
Other names: c.1121A>T, p.Tyr374Phe (NM_001277058.2, NM_001277059.2, NM_001346440.2); short protein forms Y374F.
Identifiers: ClinVar variation 2157879 (VCV002157879.1), dbSNP rs1262014892, ClinGen allele CA376752864.